The following is an entry in ClinVar:

ClinVar aggregate classification (germline): Likely pathogenic (1 of 4 stars; one submission).

Conditions:
Tuberous sclerosis 2 (TSC2). Identifiers: Orphanet 805, MedGen C1860707, MONDO:0013199, OMIM 613254.

Submission:

Labcorp Genetics (formerly Invitae), Labcorp
Classification: Likely pathogenic for Tuberous sclerosis 2. Last evaluated: 2022-05-09. Review status: criteria provided, single submitter. Criteria: Invitae Variant Classification Sherloc (09022015). Collection method: clinical testing. Allele origin: germline.
Comment: This variant results in the deletion of exons 31-32 and part of exon 33 (c.3611-574_3920del) of the TSC2 gene. It is expected to disrupt RNA splicing. Variants that disrupt the donor or acceptor splice site typically lead to a loss of protein function (PMID: 16199547), and loss-of-function variants in TSC2 are known to be pathogenic (PMID: 10205261, 17304050). This variant has not been reported in the literature in individuals affected with TSC2-related conditions. In summary, the currently available evidence indicates that the variant is pathogenic, but additional data are needed to prove that conclusively. Therefore, this variant has been classified as Likely Pathogenic.

Literature cited by the submitters: PubMed 16199547; PubMed 10205261; PubMed 17304050.

NC_000016.9:g.(?_2131020)_(2133730_?)del

Gene: TSC2 (TSC complex subunit 2; plus strand). Cytogenetic location: 16p13.3.
Variant type: Deletion.
Identifiers: ClinVar variation 2423307 (VCV002423307.4).